The following is an entry in ClinVar:

ClinVar aggregate classification (germline): Uncertain significance. Review status: criteria provided, multiple submitters, no conflicts (2 of 4 stars). 3 submissions from 3 submitters: Uncertain significance (3). Last evaluated 2026-01-19.

Conditions:
Familial cancer of breast. Also called: hereditary breast carcinoma; BREAST CANCER, FAMILIAL; Hereditary breast cancer. Identifiers: Orphanet 227535, MedGen C0346153, MONDO:0016419, OMIM 114480. Disease mechanism: loss of function.
Hereditary cancer-predisposing syndrome. Also called: Neoplastic Syndromes, Hereditary; Hereditary Cancer Syndrome; Tumor predisposition; Hereditary neoplastic syndrome. Identifiers: Orphanet 140162, MedGen C0027672, MeSH D009386, MONDO:0015356.

Allele frequency attached by ClinVar (database versions not stated): TOPMed below 0.00001; gnomAD 0.00001.
gnomAD v4.1: 2 of 1,612,762 alleles (0.00012%); highest among the groups gnomAD compares: Admixed American, 0.0017%; no homozygotes.

Submissions (3):

Labcorp Genetics (formerly Invitae), Labcorp
Classification: Uncertain significance for Familial cancer of breast. Last evaluated: 2026-01-19. Review status: criteria provided, single submitter. Criteria: Invitae Variant Classification Sherloc (09022015). Collection method: clinical testing. Allele origin: germline.
Comment: This sequence change replaces serine, which is neutral and polar, with leucine, which is neutral and non-polar, at codon 326 of the PALB2 protein (p.Ser326Leu). This variant is not present in population databases (gnomAD no frequency). This missense change has been observed in individual(s) with breast cancer (PMID: 34196900). ClinVar contains an entry for this variant (Variation ID: 572696). Invitae Evidence Modeling of protein sequence and biophysical properties (such as structural, functional, and spatial information, amino acid conservation, physicochemical variation, residue mobility, and thermodynamic stability) indicates that this missense variant is not expected to disrupt PALB2 protein function with a negative predictive value of 80%. In summary, the available evidence is currently insufficient to determine the role of this variant in disease. Therefore, it has been classified as a Variant of Uncertain Significance.

Ambry Genetics
Classification: Uncertain significance for Hereditary cancer-predisposing syndrome. Last evaluated: 2023-09-19. Review status: criteria provided, single submitter. Criteria: Ambry Variant Classification Scheme 2023. Collection method: clinical testing. Allele origin: germline.
Comment: The p.S326L variant (also known as c.977C>T), located in coding exon 4 of the PALB2 gene, results from a C to T substitution at nucleotide position 977. The serine at codon 326 is replaced by leucine, an amino acid with dissimilar properties. This amino acid position is not well conserved in available vertebrate species. In addition, this alteration is predicted to be tolerated by in silico analysis. Since supporting evidence is limited at this time, the clinical significance of this alteration remains unclear.

GeneDx
Classification: Uncertain significance. Last evaluated: 2021-03-23. Review status: criteria provided, single submitter. Criteria: GeneDx Variant Classification Process June 2021. Collection method: clinical testing. Allele origin: germline. Affected: yes.
Comment: Not observed in large population cohorts (Lek et al., 2016); In silico analysis supports that this missense variant has a deleterious effect on protein structure/function; Observed in an individual with colorectal cancer (Ricker 2017); This variant is associated with the following publications: (PMID: 28640387)

Literature cited by the submitters: PubMed 34196900 (cited by Labcorp Genetics (formerly Invitae), Labcorp).

NM_024675.4(PALB2):c.977C>T (p.Ser326Leu)

Gene: PALB2 (partner and localizer of BRCA2; minus strand). Cytogenetic location: 16p12.2.
Variant type: single nucleotide variant.
Coding change: c.977C>T on transcript NM_024675.4 (MANE Select); coding-DNA position 977, C replaced by T.
Protein change: p.Ser326Leu; replaces serine 326 with leucine.
Molecular consequence: missense variant.
Genome position (GRCh38, 1-based): chr16:23,635,569, G>A on the plus strand (C>T on the coding strand, the complement: PALB2 is on the minus strand). VCF-style: chr16-23635569-G-A. GRCh37 (hg19) VCF-style: chr16-23646890-G-A.
Other names: short protein forms S326L.
Identifiers: ClinVar variation 572696 (VCV000572696.12), dbSNP rs1282291340, ClinGen allele CA395134793.